The following is an entry in ClinVar:

NM_014844.5(TECPR2):c.3297C>T (p.Val1099=)

Gene: TECPR2 (tectonin beta-propeller repeat containing 2; plus strand). Cytogenetic location: 14q32.31.
Variant type: single nucleotide variant.
Coding change: c.3297C>T on transcript NM_014844.5 (MANE Select); coding-DNA position 3297, C replaced by T.
Protein change: p.Val1099=; no amino-acid change (valine 1099 retained).
Molecular consequence: synonymous variant.
Genome position (GRCh38, 1-based): chr14:102,449,850, C>T. VCF-style: chr14-102449850-C-T. GRCh37 (hg19) VCF-style: chr14-102916187-C-T.
Other names: c.3297C>T, p.Val1099= (NM_001172631.3).
Identifiers: ClinVar variation 1151607 (VCV001151607.33), dbSNP rs145454921, ClinGen allele CA7358178.

ClinVar aggregate classification (germline): Likely benign. Review status: criteria provided, multiple submitters, no conflicts (2 of 4 stars). 2 submissions from 2 submitters: Likely benign (2). Last evaluated 2024-06-06.

Conditions:
Hereditary spastic paraplegia 49 (HSAN9). Also called: NEUROPATHY, HEREDITARY SENSORY AND AUTONOMIC, TYPE IX, WITH DEVELOPMENTAL DELAY; TECPR2-Related Hereditary Sensory and Autonomic Neuropathy with Intellectual Disability; Spastic paraplegia 49, autosomal recessive. Identifiers: Orphanet 320385, MedGen C5190860, MONDO:0014016, OMIM 615031.

Allele frequency attached by ClinVar (database versions not stated): gnomAD 0.00001 and 0.00002; gnomAD exomes 0.00001 and 0.00002; ExAC 0.00002; TOPMed 0.00002; 1000 Genomes Project 30x 0.00016; 1000 Genomes Project 0.00020.
gnomAD v4.1: 24 of 1,613,680 alleles (0.0015%); highest among the groups gnomAD compares: African/African-American, 0.0053%; no homozygotes.

Submissions (2):

Labcorp Genetics (formerly Invitae), Labcorp
Classification: Likely benign for Hereditary spastic paraplegia 49. Last evaluated: 2024-06-06. Review status: criteria provided, single submitter. Criteria: Invitae Variant Classification Sherloc (09022015). Collection method: clinical testing. Allele origin: germline.

CeGaT Center for Human Genetics Tuebingen
Classification: Likely benign. Last evaluated: 2022-08-01. Review status: criteria provided, single submitter. Criteria: CeGaT Center For Human Genetics Tuebingen Variant Classification Criteria Version 2. Collection method: clinical testing. Allele origin: germline. Affected: yes. Observed: 1 variant allele.
Comment: TECPR2: BP4, BP7